The following is an entry in ClinVar:

NM_032620.4(GTPBP3):c.1394G>A (p.Arg465Gln)

Gene: GTPBP3 (GTP binding protein 3, mitochondrial; plus strand). Cytogenetic location: 19p13.11.
Variant type: single nucleotide variant.
Coding change: c.1394G>A on transcript NM_032620.4 (MANE Select); coding-DNA position 1394, G replaced by A.
Protein change: p.Arg465Gln; replaces arginine 465 with glutamine.
Molecular consequence: missense variant.
Genome position (GRCh38, 1-based): chr19:17,341,618, G>A. VCF-style: chr19-17341618-G-A. GRCh37 (hg19) VCF-style: chr19-17452427-G-A.
Other names: c.1331G>A, p.Arg444Gln (NM_001128855.3); c.1460G>A, p.Arg487Gln (NM_001195422.1); c.1490G>A, p.Arg497Gln (NM_133644.4); short protein forms R444Q, R497Q, R487Q, R465Q.
Identifiers: ClinVar variation 1450813 (VCV001450813.5), dbSNP rs777162390, ClinGen allele CA9293728.
Genomic context (GRCh38, chr19:17,341,618, plus strand): 5'-TCGGCCACTACAAGCAGTCAAAAGACCTGGCCCTGGCGGCAGAGGCGCTGCGGGTGGCCC[G>A]GGGTCACCTGACCCGGCTCACAGGTGGAGGGGGTACCGAGGAGATCCTGGACATCATCTT-3'
Protein context (NP_116009.2, residues 455-475): ALAAEALRVA[Arg465Gln]GHLTRLTGGG

ClinVar aggregate classification (germline): Uncertain significance (1 of 4 stars; one submission).

Allele frequency attached by ClinVar (database versions not stated): gnomAD exomes 0.00001; ExAC 0.00003.
gnomAD v4.1: 5 of 1,613,630 alleles (0.00031%); highest among the groups gnomAD compares: East Asian, 0.0022%; no homozygotes.

Submission:

Labcorp Genetics (formerly Invitae), Labcorp
Classification: Uncertain significance. Last evaluated: 2024-04-10. Review status: criteria provided, single submitter. Criteria: Invitae Variant Classification Sherloc (09022015). Collection method: clinical testing. Allele origin: germline.
Comment: This sequence change replaces arginine, which is basic and polar, with glutamine, which is neutral and polar, at codon 497 of the GTPBP3 protein (p.Arg497Gln). This variant is present in population databases (rs777162390, gnomAD 0.007%). This variant has not been reported in the literature in individuals affected with GTPBP3-related conditions. ClinVar contains an entry for this variant (Variation ID: 1450813). Advanced modeling of protein sequence and biophysical properties (such as structural, functional, and spatial information, amino acid conservation, physicochemical variation, residue mobility, and thermodynamic stability) performed at Invitae indicates that this missense variant is not expected to disrupt GTPBP3 protein function with a negative predictive value of 80%. In summary, the available evidence is currently insufficient to determine the role of this variant in disease. Therefore, it has been classified as a Variant of Uncertain Significance.